The following is an entry in ClinVar:

NM_006005.3(WFS1):c.2267G>A (p.Arg756His)

Gene: WFS1 (wolframin ER transmembrane glycoprotein; plus strand). Cytogenetic location: 4p16.1.
Variant type: single nucleotide variant.
Coding change: c.2267G>A on transcript NM_006005.3 (MANE Select); coding-DNA position 2267, G replaced by A.
Protein change: p.Arg756His; replaces arginine 756 with histidine.
Molecular consequence: missense variant.
Genome position (GRCh38, 1-based): chr4:6,302,062, G>A. VCF-style: chr4-6302062-G-A. GRCh37 (hg19) VCF-style: chr4-6303789-G-A.
Other names: c.2267G>A, p.Arg756His (NM_001145853.1); short protein forms R756H.
Identifiers: ClinVar variation 1484347 (VCV001484347.9), dbSNP rs982418213, ClinGen allele CA91796996.

ClinVar aggregate classification (germline): Uncertain significance. Review status: criteria provided, multiple submitters, no conflicts (2 of 4 stars). 2 submissions from 2 submitters: Uncertain significance (2). Last evaluated 2025-09-02.

Conditions:
Autosomal dominant nonsyndromic hearing loss 6 (LFSNHL). Also called: DEAFNESS, AUTOSOMAL DOMINANT 14; DEAFNESS, AUTOSOMAL DOMINANT 38; DEAFNESS, AUTOSOMAL DOMINANT 6; Autosomal dominant nonsyndromic deafness 6. Identifiers: Orphanet 90635, MedGen C1833021, MONDO:0010963, OMIM 600965.
Type 2 diabetes mellitus. Also called: Type II diabetes mellitus. Identifiers: MedGen C0011860, MeSH D003924, MONDO:0005148, OMIM 125853, HP:0005978.
Cataract 41 (CTRCT41). Also called: CATARACT 41, CONGENITAL NUCLEAR TYPE. Identifiers: Orphanet 91492, Orphanet 98991, Orphanet 98992, Orphanet 98995, MedGen C3805412, MONDO:0007287, OMIM 116400.
Wolfram syndrome 1 (WFS1). Identifiers: Orphanet 3463, MedGen C4551693, MONDO:0009101, OMIM 222300.
Wolfram-like syndrome. Also called: HEARING LOSS, PROGRESSIVE, WITH OPTIC ATROPHY AND/OR IMPAIRED GLUCOSE REGULATION. Identifiers: Orphanet 411590, MedGen C3280358, MONDO:0013673, OMIM 614296.

Allele frequency attached by ClinVar (database versions not stated): gnomAD 0.00001 and 0.00002; gnomAD exomes 0.00001; TOPMed 0.00001.
gnomAD v4.1: 12 of 1,612,700 alleles (0.00074%); highest among the groups gnomAD compares: Admixed American, 0.0033%; no homozygotes.

Submissions (2):

Labcorp Genetics (formerly Invitae), Labcorp
Classification: Uncertain significance. Last evaluated: 2025-09-02. Review status: criteria provided, single submitter. Criteria: Invitae Variant Classification Sherloc (09022015). Collection method: clinical testing. Allele origin: germline.
Comment: This sequence change replaces arginine, which is basic and polar, with histidine, which is basic and polar, at codon 756 of the WFS1 protein (p.Arg756His). This variant is present in population databases (no rsID available, gnomAD 0.006%). This variant has not been reported in the literature in individuals affected with WFS1-related conditions. ClinVar contains an entry for this variant (Variation ID: 1484347). Invitae Evidence Modeling of protein sequence and biophysical properties (such as structural, functional, and spatial information, amino acid conservation, physicochemical variation, residue mobility, and thermodynamic stability) has been performed for this missense variant. However, the output from this modeling did not meet the statistical confidence thresholds required to predict the impact of this variant on WFS1 protein function. In summary, the available evidence is currently insufficient to determine the role of this variant in disease. Therefore, it has been classified as a Variant of Uncertain Significance.

Fulgent Genetics
Classification: Uncertain significance for Cataract 41; Type 2 diabetes mellitus; Wolfram syndrome 1; Autosomal dominant nonsyndromic hearing loss 6; Wolfram-like syndrome. Last evaluated: 2024-01-20. Review status: criteria provided, single submitter. Criteria: ACMG Guidelines, 2015. Collection method: clinical testing. Allele origin: germline.